The following is an entry in ClinVar:

ClinVar aggregate classification (germline): Uncertain significance (1 of 4 stars; one submission).

Allele frequency attached by ClinVar (database versions not stated): ExAC 0.00010; gnomAD exomes 0.00010.
gnomAD v4.1: 58 of 1,614,056 alleles (0.0036%); highest among the groups gnomAD compares: South Asian, 0.063%; no homozygotes.

Submission:

Labcorp Genetics (formerly Invitae), Labcorp
Classification: Uncertain significance. Last evaluated: 2022-08-09. Review status: criteria provided, single submitter. Criteria: Invitae Variant Classification Sherloc (09022015). Collection method: clinical testing. Allele origin: germline.
Comment: This sequence change replaces glutamine, which is neutral and polar, with proline, which is neutral and non-polar, at codon 374 of the RXYLT1 protein (p.Gln374Pro). This variant is present in population databases (rs770063033, gnomAD 0.08%). This variant has not been reported in the literature in individuals affected with RXYLT1-related conditions. ClinVar contains an entry for this variant (Variation ID: 1412398). Algorithms developed to predict the effect of missense changes on protein structure and function are either unavailable or do not agree on the potential impact of this missense change (SIFT: "Tolerated"; PolyPhen-2: "Possibly Damaging"; Align-GVGD: "Class C0"). In summary, the available evidence is currently insufficient to determine the role of this variant in disease. Therefore, it has been classified as a Variant of Uncertain Significance.

NM_014254.3(RXYLT1):c.1121A>C (p.Gln374Pro)

Genes: RXYLT1 (ribitol xylosyltransferase 1; plus strand), RXYLT1-AS1 (RXYLT1 antisense RNA 1; minus strand). Cytogenetic location: 12q14.2.
Variant type: single nucleotide variant.
Coding change: c.1121A>C on transcript NM_014254.3 (MANE Select); coding-DNA position 1121, A replaced by C.
Protein change: p.Gln374Pro; replaces glutamine 374 with proline.
Molecular consequence: missense variant. On other transcripts: non-coding transcript variant (1).
Genome position (GRCh38, 1-based): chr12:63,808,881, A>C. VCF-style: chr12-63808881-A-C. GRCh37 (hg19) VCF-style: chr12-64202661-A-C.
Other names: c.341A>C, p.Gln114Pro (NM_001278237.2); short protein forms Q114P, Q374P.
Identifiers: ClinVar variation 1412398 (VCV001412398.5), dbSNP rs770063033, ClinGen allele CA6666249.